The following is an entry in ClinVar:

NM_005529.7(HSPG2):c.4955+3A>T

Gene: HSPG2 (heparan sulfate proteoglycan 2; minus strand). Cytogenetic location: 1p36.12.
Variant type: single nucleotide variant.
Coding change: c.4955+3A>T on transcript NM_005529.7 (MANE Select); 3 bases into the intron after coding-DNA position 4955, A replaced by T.
Molecular consequence: intron variant.
Genome position (GRCh38, 1-based): chr1:21,861,754, T>A on the plus strand (A>T on the coding strand, the complement: HSPG2 is on the minus strand). VCF-style: chr1-21861754-T-A. GRCh37 (hg19) VCF-style: chr1-22188247-T-A.
Other names: c.4958+3A>T (NM_001291860.2).
Identifiers: ClinVar variation 1064625 (VCV001064625.3), dbSNP rs769130391, ClinGen allele CA672110.
Genomic context (GRCh38, chr1:21,861,754, plus strand): 5'-GCTCTCACTTGGGAGTCCACCATTTGTCCTCCACCCTCCCCCTACTTCTGTTTACAAACT[T>A]ACTGCTCACAGTACTGGCCAGTGTAGCCGGGTTCGCAGGCCGTGCAGCGGTACCCGCCGG-3'

ClinVar aggregate classification (germline): Likely pathogenic (1 of 4 stars; one submission).

Conditions:
Lethal Kniest-like syndrome (DDSH). Also called: Dyssegmental Dysplasia. Identifiers: Orphanet 1865, MedGen C1857100, MONDO:0009140, OMIM 224410.
Schwartz-Jampel syndrome. Also called: Myotonic myopathy dwarfism chondrodystrophy and ocular and facial abnormalities. Identifiers: Orphanet 800, MedGen C0036391, MONDO:0009717.

Allele frequency attached by ClinVar (database versions not stated): gnomAD exomes 0.00002 and 0.00003; ExAC 0.00003.
gnomAD v4.1: 14 of 1,613,898 alleles (0.00087%); highest among the groups gnomAD compares: South Asian, 0.015%; no homozygotes.

Submission:

Kids Neuroscience Centre, Sydney Children's Hospitals Network
Classification: Likely pathogenic for Lethal Kniest-like syndrome; Schwartz-Jampel syndrome type 1. Review status: criteria provided, single submitter. Criteria: Bournazos AM et al. (Genet Med 2021). Collection method: clinical testing. Allele origin: unknown. Inheritance: Autosomal recessive inheritance. Affected: no. Observed: 2 heterozygotes.
Comment: Detected two abnormal splicing events induced by the c.4958+3A>T variant: (1) In-frame exon 39 skipping (r.4872_4958del). This event removes 29 amino acids from the Laminin-type EGF-like domain of HSPG2 (p.(Phe1625_Gln1653del)), (2) Use of a cryptic 5’-splice site (r.4952_4958del). This event induces a frameshift and encodes a premature termination codon p.(Glu1652Valfs*35). These transcripts are predicted to be targeted by NMD. Any misspliced HSPG2 transcripts that escape NMD encode HSPG2 protein lacking 2,741 amino acids from the Cterminus, including 29 functional domains (laminin EGF-like 11 domain, Ig-like C2-type domains 2-22, laminin Glike domains 1-3, EGF-like domains 1-4).